The following is an entry in ClinVar:

ClinVar aggregate classification (germline): Uncertain significance (1 of 4 stars; one submission).

Conditions:
Congenital myotonia, autosomal dominant form (THD). Also called: THOMSEN DISEASE; Myotonia congenita autosomal dominant. Identifiers: Orphanet 614, MedGen C2936781, MONDO:0008055, OMIM 160800.
Congenital myotonia, autosomal recessive form. Also called: BECKER DISEASE; myotonia congenita, autosomal recessive; Becker Generalized Myotonia. Identifiers: Orphanet 614, MedGen C0751360, MONDO:0009715, OMIM 255700.

Allele frequency attached by ClinVar (database versions not stated): gnomAD exomes 0.00001.

Submission:

Labcorp Genetics (formerly Invitae), Labcorp
Classification: Uncertain significance for Congenital myotonia, autosomal recessive form; Congenital myotonia, autosomal dominant form. Last evaluated: 2022-10-13. Review status: criteria provided, single submitter. Criteria: Invitae Variant Classification Sherloc (09022015). Collection method: clinical testing. Allele origin: germline.
Comment: In summary, the available evidence is currently insufficient to determine the role of this variant in disease. Therefore, it has been classified as a Variant of Uncertain Significance. Advanced modeling of protein sequence and biophysical properties (such as structural, functional, and spatial information, amino acid conservation, physicochemical variation, residue mobility, and thermodynamic stability) performed at Invitae indicates that this missense variant is expected to disrupt CLCN1 protein function. This variant has not been reported in the literature in individuals affected with CLCN1-related conditions. This variant is present in population databases (no rsID available, gnomAD 0.0009%). This sequence change replaces methionine, which is neutral and non-polar, with threonine, which is neutral and polar, at codon 135 of the CLCN1 protein (p.Met135Thr).

NM_000083.3(CLCN1):c.404T>C (p.Met135Thr)

Gene: CLCN1 (chloride voltage-gated channel 1; plus strand). Cytogenetic location: 7q34.
Variant type: single nucleotide variant.
Coding change: c.404T>C on transcript NM_000083.3 (MANE Select); coding-DNA position 404, T replaced by C.
Protein change: p.Met135Thr; replaces methionine 135 with threonine.
Molecular consequence: missense variant. On other transcripts: non-coding transcript variant (1).
Genome position (GRCh38, 1-based): chr7:143,320,766, T>C. VCF-style: chr7-143320766-T-C. GRCh37 (hg19) VCF-style: chr7-143017859-T-C.
Other names: short protein forms M135T.
Identifiers: ClinVar variation 1717001 (VCV001717001.5), dbSNP rs1043793999, ClinGen allele CA168254498.
Genomic context (GRCh38, chr7:143,320,766, plus strand): 5'-GGGAAGACGGGATCTTTCTGGTGCTTCTGGGACTGCTGATGGCTCTGGTCAGCTGGAGCA[T>C]GGACTACGTCAGTGCCAAAAGCCTTCAGGGTAGGTTTAACCTGGACCTTTGCCCACAGCC-3'
Protein context (NP_000074.3, residues 125-145): GLLMALVSWS[Met135Thr]DYVSAKSLQA